The following is an entry in ClinVar:

ClinVar aggregate classification (germline): Pathogenic. Review status: criteria provided, multiple submitters, no conflicts (2 of 4 stars). 8 submissions from 8 submitters: Pathogenic (7). 1 of the submissions does not count toward it. Last evaluated 2025-10-14.

Conditions:
Congenital myotonia, autosomal recessive form. Also called: Becker Generalized Myotonia; myotonia congenita, autosomal recessive; BECKER DISEASE. Identifiers: Orphanet 614, MedGen C0751360, MONDO:0009715, OMIM 255700.
Congenital myotonia, autosomal dominant form (THD). Also called: THOMSEN DISEASE; Myotonia congenita autosomal dominant. Identifiers: Orphanet 614, MedGen C2936781, MONDO:0008055, OMIM 160800.
CLCN1-related disorder. Also called: CLCN1-related condition.

Allele frequency attached by ClinVar (database versions not stated): gnomAD 0.00001; gnomAD exomes 0.00001; TOPMed 0.00001; ExAC 0.00002; 1000 Genomes Project 30x 0.00016; 1000 Genomes Project 0.00020.
gnomAD v4.1: 22 of 1,614,040 alleles (0.0014%); highest among the groups gnomAD compares: Admixed American, 0.0067%; no homozygotes.

Submissions (8):

Clinical Genetics Laboratory, University Hospital Schleswig-Holstein
Classification: Pathogenic for Congenital myotonia, autosomal dominant form; Congenital myotonia, autosomal recessive form. Last evaluated: 2025-10-14. Review status: criteria provided, single submitter. Criteria: ACMG Guidelines, 2015. Collection method: clinical testing. Allele origin: germline. Affected: yes. Observed: 1 heterozygote.
Comment: ACMG criteria applied: PM2, PM3, PVS1

Blueprint Genetics
Classification: Pathogenic for CLCN1-related disorders. Last evaluated: 2024-09-19. Review status: criteria provided, single submitter. Criteria: ACMG Guidelines, 2015. Collection method: clinical testing. Allele origin: germline. Affected: yes. Observed: 1 variant allele.

Fulgent Genetics
Classification: Pathogenic for Congenital myotonia, autosomal dominant form; Congenital myotonia, autosomal recessive form. Last evaluated: 2024-05-15. Review status: criteria provided, single submitter. Criteria: ACMG Guidelines, 2015. Collection method: clinical testing. Allele origin: germline.

Labcorp Genetics (formerly Invitae), Labcorp
Classification: Pathogenic for Congenital myotonia, autosomal recessive form; Congenital myotonia, autosomal dominant form. Last evaluated: 2024-03-29. Review status: criteria provided, single submitter. Criteria: Invitae Variant Classification Sherloc (09022015). Collection method: clinical testing. Allele origin: germline.
Comment: This sequence change creates a premature translational stop signal (p.Arg377*) in the CLCN1 gene. It is expected to result in an absent or disrupted protein product. Loss-of-function variants in CLCN1 are known to be pathogenic (PMID: 17932099, 22094069, 23739125). This variant is present in population databases (rs201714423, gnomAD 0.004%). This premature translational stop signal has been observed in individual(s) with autosomal recessive myotonia congenita (PMID: 21221019). ClinVar contains an entry for this variant (Variation ID: 447045). Algorithms developed to predict the effect of sequence changes on RNA splicing suggest that this variant may disrupt the consensus splice site. For these reasons, this variant has been classified as Pathogenic.

GeneDx
Classification: Pathogenic. Last evaluated: 2023-11-10. Review status: criteria provided, single submitter. Criteria: GeneDx Variant Classification Process June 2021. Collection method: clinical testing. Allele origin: germline. Affected: yes.
Comment: Reported in association with autosomal recessive myotonia congenita in the published literature (PMID: 28325641, 17932099); Nonsense variant predicted to result in protein truncation or nonsense mediated decay in a gene for which loss of function is a known mechanism of disease; Not observed at significant frequency in large population cohorts (gnomAD); This variant is associated with the following publications: (PMID: 31589614, 34938096, 32721234, 17932099, 23893571, 25525159, 31069529, 34529042, 28325641)

Revvity Omics, Revvity
Classification: Pathogenic. Last evaluated: 2019-08-02. Review status: criteria provided, single submitter. Criteria: ACMG Guidelines, 2015. Collection method: clinical testing. Allele origin: germline.

Athena Diagnostics
Classification: Pathogenic. Last evaluated: 2016-10-31. Review status: criteria provided, single submitter. Criteria: Athena Diagnostics Criteria. Collection method: clinical testing. Allele origin: germline.

PreventionGenetics, part of Exact Sciences
Classification: Pathogenic for CLCN1-related condition. Last evaluated: 2023-11-16. Review status: no assertion criteria provided. Collection method: clinical testing. Allele origin: germline. Not counted in ClinVar's aggregate classification.
Comment: The CLCN1 c.1129C>T variant is predicted to result in premature protein termination (p.Arg377*). This variant has been reported in the homozygous or compound heterozygous states in three patients with myotonia congenita (Fialho et al 2007. PubMed ID: 17932099; Modoni et al 2011. PubMed ID: 21221019), and in one patient with myotonia congenita in which a second potentially pathogenic variant was not identified (Sun et al 2020. PubMed ID: 31567646). This variant is reported in 0.012% of alleles in individuals of African descent in gnomAD. Nonsense variants in CLCN1 are expected to be pathogenic. This variant is interpreted as pathogenic.

Literature cited by the submitters: PubMed 17932099 (cited by Labcorp Genetics (formerly Invitae), Labcorp and Athena Diagnostics); PubMed 22094069 (cited by Labcorp Genetics (formerly Invitae), Labcorp); PubMed 23739125 (cited by Labcorp Genetics (formerly Invitae), Labcorp); PubMed 21221019 (cited by Labcorp Genetics (formerly Invitae), Labcorp and Athena Diagnostics).

NM_000083.3(CLCN1):c.1129C>T (p.Arg377Ter)

Gene: CLCN1 (chloride voltage-gated channel 1; plus strand). Cytogenetic location: 7q34.
Variant type: single nucleotide variant.
Coding change: c.1129C>T on transcript NM_000083.3 (MANE Select); coding-DNA position 1129, C replaced by T.
Protein change: p.Arg377Ter; replaces arginine 377 with a stop codon.
Molecular consequence: nonsense. On other transcripts: non-coding transcript variant (1).
Genome position (GRCh38, 1-based): chr7:143,331,615, C>T. VCF-style: chr7-143331615-C-T. GRCh37 (hg19) VCF-style: chr7-143028708-C-T.
Other names: short protein forms R377*.
Identifiers: ClinVar variation 447045 (VCV000447045.18), dbSNP rs201714423, ClinGen allele CA4537246.